The following is an entry in ClinVar:

ClinVar aggregate classification (germline): Likely pathogenic. Review status: criteria provided, multiple submitters, no conflicts (2 of 4 stars). 2 submissions from 2 submitters: Likely pathogenic (2). Last evaluated 2026-02-09.

Conditions:
Intellectual developmental disorder, autosomal recessive 27. Also called: Intellectual disability, autosomal recessive 27; Mental retardation, autosomal recessive 27. Identifiers: Orphanet 88616, MedGen C3280538, MONDO:0013702, OMIM 614340.

Submissions (2):

Dasa
Classification: Likely pathogenic for Intellectual developmental disorder, autosomal recessive 27. Last evaluated: 2026-02-09. Review status: criteria provided, single submitter. Criteria: DASA Assertion Criteria. Collection method: clinical testing. Allele origin: germline.
Comment: NM_001040616.3(LINS1):c.1921_1923delinsAC (p.Glu641Thrfs*4) is a frameshift variant in LINS1 predicted to alter the reading frame and introduce a premature termination codon and is predicted to result in an absent or altered protein product. Loss of function is an established disease mechanism for LINS1-associated disorders. Also, this variant is rare in population databases. Based on the currently available evidence, this variant is classified as likely pathogenic.

Laboratorio de Genetica e Diagnostico Molecular, Hospital Israelita Albert Einstein
Classification: Likely pathogenic for Intellectual developmental disorder, autosomal recessive 27. Last evaluated: 2022-10-14. Review status: criteria provided, single submitter. Criteria: ACMG Guidelines, 2015. Collection method: clinical testing. Allele origin: germline. Affected: yes. Observed: 1 variant allele.
Comment: ACMG classification criteria: PVS1 strong, PM2 moderated

NM_001040616.3(LINS1):c.1921_1923delinsAC (p.Glu641fs)

Gene: LINS1 (lines homolog 1; minus strand). Cytogenetic location: 15q26.3.
Variant type: Indel.
Coding change: c.1921_1923delinsAC on transcript NM_001040616.3 (MANE Select); coding-DNA positions 1921 to 1923, GAG replaced by AC.
Protein change: p.Glu641fs; shifts the reading frame from glutamic acid 641.
Molecular consequence: frameshift variant. On other transcripts: non-coding transcript variant (3).
Genome position (GRCh38, 1-based): chr15:100,569,589-100,569,591, CTC replaced by GT on the plus strand (GAG replaced by AC on the coding strand, the reverse complement: LINS1 is on the minus strand). VCF-style: chr15-100569589-CTC-GT. GRCh37 (hg19) VCF-style: chr15-101109794-CTC-GT.
Other names: c.1174_1176delinsAC, p.Glu392fs (NM_001352507.2); c.1768_1770delinsAC, p.Glu590fs (NM_001352508.2); short protein forms E392fs, E590fs, E641fs.
Identifiers: ClinVar variation 2431402 (VCV002431402.3), dbSNP rs2505319687, ClinGen allele CA2580089777.